The following is an entry in ClinVar:

ClinVar aggregate classification (germline): Uncertain significance (1 of 4 stars; one submission).

Allele frequency attached by ClinVar (database versions not stated): TOPMed below 0.00001; gnomAD 0.00001.
gnomAD v4.1: 5 of 1,613,884 alleles (0.00031%); highest among the groups gnomAD compares: Admixed American, 0.0083%; no homozygotes.

Submission:

Labcorp Genetics (formerly Invitae), Labcorp
Classification: Uncertain significance. Last evaluated: 2026-01-02. Review status: criteria provided, single submitter. Criteria: Invitae Variant Classification Sherloc (09022015). Collection method: clinical testing. Allele origin: germline.
Comment: This sequence change replaces histidine, which is basic and polar, with asparagine, which is neutral and polar, at codon 211 of the CPOX protein (p.His211Asn). This variant is present in population databases (rs749826763, gnomAD 0.009%). This variant has not been reported in the literature in individuals affected with CPOX-related conditions. ClinVar contains an entry for this variant (Variation ID: 2052776). Invitae Evidence Modeling of protein sequence and biophysical properties (such as structural, functional, and spatial information, amino acid conservation, physicochemical variation, residue mobility, and thermodynamic stability) indicates that this missense variant is not expected to disrupt CPOX protein function with a negative predictive value of 80%. In summary, the available evidence is currently insufficient to determine the role of this variant in disease. Therefore, it has been classified as a Variant of Uncertain Significance.

NM_000097.7(CPOX):c.631C>A (p.His211Asn)

Gene: CPOX (coproporphyrinogen oxidase; minus strand). Cytogenetic location: 3q11.2.
Variant type: single nucleotide variant.
Coding change: c.631C>A on transcript NM_000097.7 (MANE Select); coding-DNA position 631, C replaced by A.
Protein change: p.His211Asn; replaces histidine 211 with asparagine.
Molecular consequence: missense variant.
Genome position (GRCh38, 1-based): chr3:98,591,081, G>T on the plus strand (C>A on the coding strand, the complement: CPOX is on the minus strand). VCF-style: chr3-98591081-G-T. GRCh37 (hg19) VCF-style: chr3-98309925-G-T.
Other names: short protein forms H211N.
Identifiers: ClinVar variation 2052776 (VCV002052776.4), dbSNP rs749826763, ClinGen allele CA2511659.